The following is an entry in ClinVar:

NM_000391.4(TPP1):c.1495C>A (p.Pro499Thr)

Gene: TPP1 (tripeptidyl peptidase 1; minus strand). Cytogenetic location: 11p15.4.
Variant type: single nucleotide variant.
Coding change: c.1495C>A on transcript NM_000391.4 (MANE Select); coding-DNA position 1495, C replaced by A.
Protein change: p.Pro499Thr; replaces proline 499 with threonine.
Molecular consequence: missense variant.
Genome position (GRCh38, 1-based): chr11:6,614,922, G>T on the plus strand (C>A on the coding strand, the complement: TPP1 is on the minus strand). VCF-style: chr11-6614922-G-T. GRCh37 (hg19) VCF-style: chr11-6636153-G-T.
Other names: short protein forms P499T.
Identifiers: ClinVar variation 1051211 (VCV001051211.9), dbSNP rs201126448, ClinGen allele CA5858633.

ClinVar aggregate classification (germline): Uncertain significance. Review status: criteria provided, multiple submitters, no conflicts (2 of 4 stars). 5 submissions from 5 submitters: Uncertain significance (4). 1 of the submissions does not count toward it. Last evaluated 2025-08-07.

Conditions:
Neuronal ceroid lipofuscinosis 2. Also called: TPP1-Related Neuronal Ceroid-Lipofuscinosis; JANSKY-BIELSCHOWSKY DISEASE NEURONAL CEROID LIPOFUSCINOSIS, LATE INFANTILE. Identifiers: Orphanet 168491, Orphanet 228349, Orphanet 79264, MedGen C1876161, MONDO:0008769, OMIM 204500.

Allele frequency attached by ClinVar (database versions not stated): 1000 Genomes Project 30x 0.00016.
gnomAD v4.1: 62 of 1,614,158 alleles (0.0038%); highest among the groups gnomAD compares: South Asian, 0.033%; no homozygotes.

Submissions (5):

GeneDx
Classification: Uncertain significance. Last evaluated: 2025-08-07. Review status: criteria provided, single submitter. Criteria: GeneDx Variant Classification Process June 2021. Collection method: clinical testing. Allele origin: germline. Affected: yes.
Comment: In silico analysis supports that this missense variant has a deleterious effect on protein structure/function; Has not been previously published as pathogenic or benign to our knowledge

Blueprint Genetics
Classification: Uncertain significance. Last evaluated: 2024-09-23. Review status: criteria provided, single submitter. Criteria: ACMG Guidelines, 2015. Collection method: clinical testing. Allele origin: germline.

Labcorp Genetics (formerly Invitae), Labcorp
Classification: Uncertain significance. Last evaluated: 2022-08-21. Review status: criteria provided, single submitter. Criteria: Invitae Variant Classification Sherloc (09022015). Collection method: clinical testing. Allele origin: germline.
Comment: This sequence change replaces proline, which is neutral and non-polar, with threonine, which is neutral and polar, at codon 499 of the TPP1 protein (p.Pro499Thr). This variant is present in population databases (rs201126448, gnomAD 0.03%). This variant has not been reported in the literature in individuals affected with TPP1-related conditions. ClinVar contains an entry for this variant (Variation ID: 1051211). Advanced modeling of protein sequence and biophysical properties (such as structural, functional, and spatial information, amino acid conservation, physicochemical variation, residue mobility, and thermodynamic stability) performed at Invitae indicates that this missense variant is not expected to disrupt TPP1 protein function. In summary, the available evidence is currently insufficient to determine the role of this variant in disease. Therefore, it has been classified as a Variant of Uncertain Significance.

Revvity Omics, Revvity
Classification: Uncertain significance. Last evaluated: 2019-09-06. Review status: criteria provided, single submitter. Criteria: ACMG Guidelines, 2015. Collection method: clinical testing. Allele origin: germline.

Natera, Inc.
Classification: Uncertain significance for Neuronal ceroid lipofuscinosis 2. Last evaluated: 2020-01-29. Review status: no assertion criteria provided. Collection method: clinical testing. Allele origin: germline. Not counted in ClinVar's aggregate classification.